The following is an entry in ClinVar:

ClinVar aggregate classification (germline): Uncertain significance (1 of 4 stars; one submission).

Conditions:
Arrhythmogenic right ventricular dysplasia 13. Also called: ARRHYTHMOGENIC RIGHT VENTRICULAR CARDIOMYOPATHY 13; Arrhythmogenic right ventricular dysplasia, familial, 13. Identifiers: MedGen C3810138, MONDO:0000908, OMIM 615616.

Submission:

Labcorp Genetics (formerly Invitae), Labcorp
Classification: Uncertain significance for Arrhythmogenic right ventricular dysplasia, familial, 13. Last evaluated: 2019-11-18. Review status: criteria provided, single submitter. Criteria: Invitae Variant Classification Sherloc (09022015). Collection method: clinical testing. Allele origin: germline.
Comment: This variant is an out-of-frame deletion of the genomic region encompassing exon 11 of the CTNNA3 gene. This creates a premature translational stop signal and is expected to result in an absent or disrupted protein product. This variant has been reported in the homozygous state in an individual affected with autism, and was also observed in several unaffected controls (PMID: 25050139). However, large CNVs in CTNNA3 are not enriched in autism cases compared to control individuals so the clinical significance of this observation is uncertain (PMID: 23375656). This particular variant as a well as similar out-of-frame deletions affecting exons 10 and 11 are also observed in the ExAC database (PMID: 27535533). The current clinical and genetic evidence is not sufficient to establish whether loss-of-function variants in CTNNA3 cause disease. In summary, the available evidence is currently insufficient to determine the role of this variant in disease. Therefore, it has been classified as a Variant of Uncertain Significance.

Literature cited by the submitters: PubMed 25050139; PubMed 23375656; PubMed 27535533.

NC_000010.11:g.(?_66520607)_(66520783_?)del

Gene: CTNNA3 (catenin alpha 3; minus strand). Cytogenetic location: 10q21.3.
Variant type: Deletion.
Identifiers: ClinVar variation 647466 (VCV000647466.3).